The following is an entry in ClinVar:

ClinVar aggregate classification (germline): Uncertain significance (1 of 4 stars; one submission).

Submission:

GeneDx
Classification: Uncertain significance. Last evaluated: 2026-04-07. Review status: criteria provided, single submitter. Criteria: GeneDx Variant Classification Process June 2021. Collection method: clinical testing. Allele origin: germline.
Comment: Not observed at significant frequency in large population cohorts (gnomAD); In silico analysis supports that this missense variant has a deleterious effect on protein structure/function; Has not been previously published as pathogenic or benign to our knowledge

NM_002224.4(ITPR3):c.7094A>G (p.Asn2365Ser)

Gene: ITPR3 (inositol 1,4,5-trisphosphate receptor type 3; plus strand). Cytogenetic location: 6p21.31.
Variant type: single nucleotide variant.
Coding change: c.7094A>G on transcript NM_002224.4 (MANE Select); coding-DNA position 7094, A replaced by G.
Protein change: p.Asn2365Ser; replaces asparagine 2365 with serine.
Molecular consequence: missense variant.
Genome position (GRCh38, 1-based): chr6:33,690,978, A>G. VCF-style: chr6-33690978-A-G. GRCh37 (hg19) VCF-style: chr6-33658755-A-G.
Other names: short protein forms N2365S.
Identifiers: ClinVar variation 4537759 (VCV004537759.2).
Genomic context (GRCh38, chr6:33,690,978, plus strand): 5'-TCTTTGACCTCATCTACCGCGAGGAGACGCTGTTCAACGTCATCAAGAGTGTGACCCGCA[A>G]TGGCCGCTCCATCCTGCTGACAGCCCTGCTGGCCCTCATCCTGGTCTACCTCTTCTCCAT-3'
Protein context (NP_002215.2, residues 2355-2375): LFNVIKSVTR[Asn2365Ser]GRSILLTALL